The following is an entry in ClinVar:

NM_152564.5(VPS13B):c.1664A>G (p.Gln555Arg)

Gene: VPS13B (vacuolar protein sorting 13 homolog B; plus strand). Cytogenetic location: 8q22.2.
Variant type: single nucleotide variant.
Coding change: c.1664A>G on transcript NM_152564.5 (MANE Select); coding-DNA position 1664, A replaced by G.
Protein change: p.Gln555Arg; replaces glutamine 555 with arginine.
Molecular consequence: missense variant.
Genome position (GRCh38, 1-based): chr8:99,142,986, A>G. VCF-style: chr8-99142986-A-G. GRCh37 (hg19) VCF-style: chr8-100155214-A-G.
Other names: c.1664A>G, p.Gln555Arg (NM_015243.3, NM_017890.5); short protein forms Q555R.
Identifiers: ClinVar variation 1337594 (VCV001337594.4), dbSNP rs2132580980, ClinGen allele CA371863808.

ClinVar aggregate classification (germline): Uncertain significance (1 of 4 stars; one submission).

gnomAD v4.1: 2 of 1,613,526 alleles (0.00012%); highest among the groups gnomAD compares: South Asian, 0.0022%; no homozygotes.

Submission:

Genetic Services Laboratory, University of Chicago
Classification: Uncertain significance. Last evaluated: 2020-05-15. Review status: criteria provided, single submitter. Criteria: ACMG Guidelines, 2015. Collection method: clinical testing. Allele origin: germline. Affected: no.
Comment: DNA sequence analysis of the VPS13B gene demonstrated a sequence change, c.1664A>G, in exon 13 that results in an amino acid change, p.Gln555Arg. This sequence change does not appear to have been previously described in patients with VPS13B-related disorders and is absent from the large population databases (ExAC and gnomAD). The p.Gln555Arg change affects a poorly conserved amino acid residue located in a domain of the VPS13B protein that is not known to be functional. In-silico pathogenicity prediction tools (SIFT, PolyPhen2, Align GVGD, REVEL) provide contradictory results for the p.Gln555Arg substitution. Due to these contrasting evidences and the lack of functional studies, the clinical significance of the p.Gln555Arg change remains unknown at this time.